The following is an entry in ClinVar:

NM_001077620.3(PRCD):c.*1397A>G

Genes: CYGB (cytoglobin; minus strand), PRCD (photoreceptor disc component; plus strand). Cytogenetic location: 17q25.1.
Variant type: single nucleotide variant.
Coding change: c.*1397A>G on transcript NM_001077620.3 (MANE Select); 1397 bases downstream of the stop codon, A replaced by G.
Molecular consequence: 3 prime UTR variant. On other transcripts: non-coding transcript variant (1).
Genome position (GRCh38, 1-based): chr17:76,545,047, A>G. VCF-style: chr17-76545047-A-G. GRCh37 (hg19) VCF-style: chr17-74541129-A-G.
Identifiers: ClinVar variation 325499 (VCV000325499.6), dbSNP rs4232870, ClinGen allele CA8788073.

ClinVar aggregate classification (germline): Benign. Review status: criteria provided, multiple submitters, no conflicts (2 of 4 stars). 2 submissions from 2 submitters: Benign (2). Last evaluated 2018-01-12.

Conditions:
Retinitis pigmentosa (RP). Identifiers: Orphanet 791, MedGen C0035334, MeSH D012174, MONDO:0019200, OMIM 268000. Inheritance: Autosomal dominant, autosomal recessive and X linked inheritance.

Allele frequency attached by ClinVar (database versions not stated): TOPMed 0.46164; 1000 Genomes Project 30x 0.46924; gnomAD 0.47066 and 0.48505; 1000 Genomes Project 0.47863; ExAC 0.51753; gnomAD exomes 0.57325 and 0.58121.
gnomAD v4.1: 240,946 of 443,206 alleles (54%); highest among the groups gnomAD compares: East Asian, 73%; 69,629 homozygotes.

Submissions (2):

Illumina Laboratory Services, Illumina
Classification: Benign for Retinitis pigmentosa. Last evaluated: 2018-01-12. Review status: criteria provided, single submitter. Criteria: ICSL Variant Classification Criteria 13 December 2019. Collection method: clinical testing. Allele origin: germline.
Comment: This variant was observed in the ICSL laboratory as part of a predisposition screen in an ostensibly healthy population. It had not been previously curated by ICSL or reported in the Human Gene Mutation Database (HGMD: prior to June 1st, 2018), and was therefore a candidate for classification through an automated scoring system. Utilizing variant allele frequency, disease prevalence and penetrance estimates, and inheritance mode, an automated score was calculated to assess if this variant is too frequent to cause the disease. Based on the score and internal cut-off values, a variant classified as benign is not then subjected to further curation. The score for this variant resulted in a classification of benign for this disease.

Breakthrough Genomics
Classification: Benign. Review status: criteria provided, single submitter. Criteria: ACMG Guidelines, 2015. Collection method: not provided. Allele origin: germline. Inheritance: Unknown mechanism. Affected: yes.